The following is an entry in ClinVar:

ClinVar aggregate classification (germline): Uncertain significance (1 of 4 stars; one submission).

Submission:

GeneDx
Classification: Uncertain significance. Last evaluated: 2025-06-13. Review status: criteria provided, single submitter. Criteria: GeneDx Variant Classification Process June 2021. Collection method: clinical testing. Allele origin: germline. Affected: yes.
Comment: Not observed at significant frequency in large population cohorts (gnomAD); Has not been previously published as pathogenic or benign to our knowledge; In silico analysis suggests this variant may impact gene splicing. In the absence of RNA/functional studies, the actual effect of this sequence change is unknown.

NM_001267550.2(TTN):c.17952A>G (p.Thr5984=)

Gene: TTN (titin; minus strand). Cytogenetic location: 2q31.2.
Variant type: single nucleotide variant.
Coding change: c.17952A>G on transcript NM_001267550.2 (MANE Select); coding-DNA position 17952, A replaced by G.
Protein change: p.Thr5984=; no amino-acid change (threonine 5984 retained).
Molecular consequence: synonymous variant. On other transcripts: intron variant (3).
Genome position (GRCh38, 1-based): chr2:178,730,581, T>C on the plus strand (A>G on the coding strand, the complement: TTN is on the minus strand). VCF-style: chr2-178730581-T-C. GRCh37 (hg19) VCF-style: chr2-179595308-T-C.
Other names: c.17001A>G, p.Thr5667= (NM_001256850.1); c.14220A>G, p.Thr4740= (NM_133378.4); c.13282+7501A>G (NM_003319.4); c.13858+7501A>G (NM_133437.4); c.13657+7501A>G (NM_133432.3).
Identifiers: ClinVar variation 4537742 (VCV004537742.1).